The following is an entry in ClinVar:

ClinVar aggregate classification (germline): Uncertain significance. Review status: criteria provided, multiple submitters, no conflicts (2 of 4 stars). 2 submissions from 2 submitters: Uncertain significance (2). Last evaluated 2024-02-05.

Conditions:
Long QT syndrome (LQTS). Identifiers: MedGen C0023976, MeSH D008133, MONDO:0002442. Disease mechanism: loss of function. Inheritance: Various modes of inheritance.
Cardiovascular phenotype. Identifiers: MedGen CN230736.

Allele frequency attached by ClinVar (database versions not stated): gnomAD exomes below 0.00001.
gnomAD v4.1: 3 of 1,380,204 alleles (0.00022%); highest among the groups gnomAD compares: Admixed American, 0.0088%; no homozygotes.

Submissions (2):

Labcorp Genetics (formerly Invitae), Labcorp
Classification: Uncertain significance for Long QT syndrome. Last evaluated: 2024-02-05. Review status: criteria provided, single submitter. Criteria: Invitae Variant Classification Sherloc (09022015). Collection method: clinical testing. Allele origin: germline.
Comment: This sequence change replaces glutamine, which is neutral and polar, with arginine, which is basic and polar, at codon 312 of the AKAP9 protein (p.Gln312Arg). This variant is present in population databases (no rsID available, gnomAD 0.02%). This variant has not been reported in the literature in individuals affected with AKAP9-related conditions. ClinVar contains an entry for this variant (Variation ID: 2204741). An algorithm developed to predict the effect of missense changes on protein structure and function (PolyPhen-2) suggests that this variant is likely to be tolerated. In summary, the available evidence is currently insufficient to determine the role of this variant in disease. Therefore, it has been classified as a Variant of Uncertain Significance.

Ambry Genetics
Classification: Uncertain significance for Cardiovascular phenotype. Last evaluated: 2021-08-04. Review status: criteria provided, single submitter. Criteria: Ambry Variant Classification Scheme 2023. Collection method: clinical testing. Allele origin: germline.

NM_005751.5(AKAP9):c.935A>G (p.Gln312Arg)

Gene: AKAP9 (A-kinase anchoring protein 9; plus strand). Cytogenetic location: 7q21.2.
Variant type: single nucleotide variant.
Coding change: c.935A>G on transcript NM_005751.5 (MANE Select); coding-DNA position 935, A replaced by G.
Protein change: p.Gln312Arg; replaces glutamine 312 with arginine.
Molecular consequence: missense variant.
Genome position (GRCh38, 1-based): chr7:92,000,852, A>G. VCF-style: chr7-92000852-A-G. GRCh37 (hg19) VCF-style: chr7-91630166-A-G.
Other names: c.935A>G, p.Gln312Arg (NM_147185.3); short protein forms Q312R.
Identifiers: ClinVar variation 2204741 (VCV002204741.5), dbSNP rs1278236570, ClinGen allele CA368120618.